The following is an entry in ClinVar:

NM_001143979.2(NDE1):c.-232A>G

Gene: NDE1 (nudE neurodevelopment protein 1; plus strand). Cytogenetic location: 16p13.11.
Variant type: single nucleotide variant.
Coding change: c.-232A>G on transcript NM_001143979.2; 232 bases upstream of the start codon, A replaced by G.
Molecular consequence: 5 prime UTR variant.
Genome position (GRCh38, 1-based): chr16:15,643,861, A>G. VCF-style: chr16-15643861-A-G. GRCh37 (hg19) VCF-style: chr16-15737718-A-G.
Identifiers: ClinVar variation 318032 (VCV000318032.7), dbSNP rs77151061, ClinGen allele CA10647898.

ClinVar aggregate classification (germline): Benign (1 of 4 stars; one submission).

Conditions:
Lissencephaly 4 (LIS4). Also called: Lissencephaly 4 (with microcephaly). Identifiers: Orphanet 1083, MedGen C3151461, MONDO:0013527, OMIM 614019.

Allele frequency attached by ClinVar (database versions not stated): 1000 Genomes Project 0.00519; gnomAD 0.00686 and 0.00749; 1000 Genomes Project 30x 0.00500; TOPMed 0.00813.
gnomAD v4.1: 1,038 of 156,240 alleles (0.66%); highest among the groups gnomAD compares: African/African-American, 2.3%; 9 homozygotes.

Submission:

Illumina Laboratory Services, Illumina
Classification: Benign for Lissencephaly 4. Last evaluated: 2018-01-13. Review status: criteria provided, single submitter. Criteria: ICSL Variant Classification Criteria 13 December 2019. Collection method: clinical testing. Allele origin: germline.
Comment: This variant was observed in the ICSL laboratory as part of a predisposition screen in an ostensibly healthy population. It had not been previously curated by ICSL or reported in the Human Gene Mutation Database (HGMD: prior to June 1st, 2018), and was therefore a candidate for classification through an automated scoring system. Utilizing variant allele frequency, disease prevalence and penetrance estimates, and inheritance mode, an automated score was calculated to assess if this variant is too frequent to cause the disease. Based on the score and internal cut-off values, a variant classified as benign is not then subjected to further curation. The score for this variant resulted in a classification of benign for this disease.